The following is an entry in ClinVar:

ClinVar aggregate classification (germline): Uncertain significance. Review status: reviewed by expert panel (3 of 4 stars). 6 submissions from 6 submitters: Uncertain significance (1). 5 of the submissions do not count toward it. Last evaluated 2025-08-01.

Conditions:
RYR1-related disorder. Also called: RYR1-related disorders; RYR1-related condition. Identifiers: MedGen CN239331.
Congenital multicore myopathy with external ophthalmoplegia (CMYO1B). Also called: MULTICORE MYOPATHY; Minicore myopathy with external ophthalmoplegia; Congenital myopathy 1B, autosomal recessive; Minicore myopathy; MULTIMINICORE DISEASE WITH EXTERNAL OPHTHALMOPLEGIA. Identifiers: Orphanet 598, Orphanet 98905, MedGen C1850674, MONDO:0009712, OMIM 255320, HP:0003789.
King Denborough syndrome (KDS). Identifiers: MedGen C1840365, MONDO:0020485, OMIM 619542.
Central core myopathy (CMYO1A). Also called: Central core disease; Myopathy, central fibrillar; CONGENITAL MYOPATHY 1A, AUTOSOMAL DOMINANT, WITH SUSCEPTIBILITY TO MALIGNANT HYPERTHERMIA. Identifiers: Orphanet 597, MedGen C5830701, MONDO:0007294, OMIM 117000.
Congenital myopathy with fiber type disproportion. Also called: Congenital fiber-type disproportion myopathy; Congenital fiber-type disproportion. Identifiers: Orphanet 2020, MedGen C0546264, MONDO:0009711. Inheritance: all.
Malignant hyperthermia, susceptibility to, 1 (MHS1). Also called: RYR1-Related Malignant Hyperthermia Susceptibility; Malignant hyperthermia suceptibility 1; Anesthesia related hyperthermia; Malignant hyperpyrexia; Fulminating hyperpyrexia; Pharmacogenic myopathy. Identifiers: Orphanet 423, MedGen C2930980, MONDO:0007783, OMIM 145600.

Allele frequency attached by ClinVar (database versions not stated): gnomAD 0.00001; gnomAD exomes 0.00001 and 0.00002; ExAC 0.00002; TOPMed 0.00003.
gnomAD v4.1: 14 of 1,614,024 alleles (0.00087%); highest among the groups gnomAD compares: Admixed American, 0.0083%; no homozygotes.

Submissions (6):

ClinGen Malignant Hyperthermia Susceptibility Variant Curation Expert Panel, ClinGen
Classification: Uncertain significance for Malignant hyperthermia, susceptibility to, 1. Last evaluated: 2025-08-01. Review status: reviewed by expert panel. Criteria: ClinGen MHS ACMG Specifications V2. Collection method: curation. Allele origin: germline. Inheritance: Autosomal dominant inheritance.
Comment: This pathogenicity assessment is relevant only for malignant hyperthermia susceptibility (MHS) inherited in an autosomal dominant pattern. Variants in RYR1 can also cause other myopathies inherited in an autosomal dominant pattern or in an autosomal recessive pattern. Some of these disorders may predispose individuals to malignant hyperthermia. RYR1 variants may also contribute to a malignant hyperthermia reaction in combination with other genetic and non-genetic factors and the clinician needs to consider such factors in making management decisions. This sequence variant predicts a substitution of arginine with cysteine at codon 1140 of the RYR1 protein, p.Arg1140Cys. The maximum allele frequency for this variant among the six major gnomAD populations is AMR: 0.00012, a frequency consistent with pathogenicity for MHS. This variant has been reported in an individual with a personal or family history of an MH episode and a positive in vitro contracture test (IVCT) or caffeine halothane contracture test (CHCT) result (if the proband was unavailable for testing, a positive diagnostic test result in a mutation-positive relative was counted), (PMID:30236257). However, the high MAF in the AMR population in gnomAD precludes the use of PS4. No functional studies were identified for this variant. This variant does not reside in a hotspot for pathogenic variants that contribute to MHS. A REVEL score of 0.807 supports neither a pathogenic nor a benign status for this variant. This variant has been classified as a Variant of Unknown Significance. No criteria implemented.

Color Diagnostics, LLC DBA Color Health
Classification: Uncertain significance for Malignant hyperthermia, susceptibility to, 1. Last evaluated: 2025-06-30. Review status: criteria provided, single submitter. Criteria: ACMG Guidelines, 2015. Collection method: clinical testing. Allele origin: germline. Not counted in ClinVar's aggregate classification.
Comment: This missense variant replaces arginine with cysteine at codon 1140 of the RYR1 protein. Computational prediction suggests that this variant may have deleterious impact on protein structure and function. To our knowledge, functional studies have not been reported for this variant. This variant has been reported in an individual affected with malignant hyperthermia susceptibility (PMID: 16917943, 30236257). This variant has been identified in 6/251448 chromosomes in the general population by the Genome Aggregation Database (gnomAD). The available evidence is insufficient to determine the role of this variant in disease conclusively. Therefore, this variant is classified as a Variant of Uncertain Significance.

Labcorp Genetics (formerly Invitae), Labcorp
Classification: Uncertain significance for RYR1-related disorder. Last evaluated: 2024-09-14. Review status: criteria provided, single submitter. Criteria: Invitae Variant Classification Sherloc (09022015). Collection method: clinical testing. Allele origin: germline. Not counted in ClinVar's aggregate classification.
Comment: This sequence change replaces arginine, which is basic and polar, with cysteine, which is neutral and slightly polar, at codon 1140 of the RYR1 protein (p.Arg1140Cys). This variant is present in population databases (rs193922776, gnomAD 0.01%). This missense change has been observed in individual(s) with malignant hyperthermia (PMID: 16917943). ClinVar contains an entry for this variant (Variation ID: 133126). Invitae Evidence Modeling of protein sequence and biophysical properties (such as structural, functional, and spatial information, amino acid conservation, physicochemical variation, residue mobility, and thermodynamic stability) indicates that this missense variant is expected to disrupt RYR1 protein function with a positive predictive value of 80%. In summary, the available evidence is currently insufficient to determine the role of this variant in disease. Therefore, it has been classified as a Variant of Uncertain Significance.

Fulgent Genetics
Classification: Uncertain significance for Central core myopathy; Malignant hyperthermia, susceptibility to, 1; Congenital myopathy 4A, autosomal dominant; Congenital multicore myopathy with external ophthalmoplegia; King Denborough syndrome. Last evaluated: 2021-08-27. Review status: criteria provided, single submitter. Criteria: ACMG Guidelines, 2015. Collection method: clinical testing. Allele origin: unknown. Not counted in ClinVar's aggregate classification.

Laboratory for Molecular Medicine, Mass General Brigham Personalized Medicine
Classification: Uncertain significance. Last evaluated: 2016-12-21. Review status: criteria provided, single submitter. Criteria: LMM Criteria. Collection method: clinical testing. Allele origin: germline. Not counted in ClinVar's aggregate classification.
Comment: Variant identified in a genome or exome case(s) and assessed due to predicted null impact of the variant or pathogenic assertions in the literature or databases. Disclaimer: This variant has not undergone full assessment. The following are preliminary notes: This variant has been reported in 1 paper in HGMD in an unspecified number of malignant hyperthermia patients (classified as DM). This variant is present in ClinVar with no interpretation. The variant has a Max MAF of 0.006% in ExAC (1 allele) and 0.01% in gnomAD (4 alleles). Variant is not present in an online resource database.

RYR1 database
No classification provided. Review status: no classification provided. Collection method: not provided. Allele origin: unknown. Not counted in ClinVar's aggregate classification.

Literature cited by the submitters: PubMed 16917943 (cited by Color Diagnostics, LLC DBA Color Health and Labcorp Genetics (formerly Invitae), Labcorp); PubMed 30236257 (cited by Color Diagnostics, LLC DBA Color Health).

NM_000540.3(RYR1):c.3418C>T (p.Arg1140Cys)

Gene: RYR1 (ryanodine receptor 1; plus strand). Cytogenetic location: 19q13.2.
Variant type: single nucleotide variant.
Coding change: c.3418C>T on transcript NM_000540.3 (MANE Select); coding-DNA position 3418, C replaced by T.
Protein change: p.Arg1140Cys; replaces arginine 1140 with cysteine.
Molecular consequence: missense variant.
Genome position (GRCh38, 1-based): chr19:38,469,002, C>T. VCF-style: chr19-38469002-C-T. GRCh37 (hg19) VCF-style: chr19-38959642-C-T.
Other names: c.3418C>T, p.Arg1140Cys (NM_001042723.2); short protein forms R1140C.
Identifiers: ClinVar variation 133126 (VCV000133126.12), dbSNP rs193922776, ClinGen allele CA024397.